The following is an entry in ClinVar:

NM_004415.4(DSP):c.8527_8528inv (p.Ser2843Leu)

Gene: DSP (desmoplakin; plus strand). Cytogenetic location: 6p24.3.
Variant type: Inversion.
Coding change: c.8527_8528inv on transcript NM_004415.4 (MANE Select).
Protein change: p.Ser2843Leu; replaces serine 2843 with leucine.
Molecular consequence: missense variant.
Genome position: GRCh38 VCF-style: chr6-7585789-AG-CT. GRCh37 (hg19) VCF-style: chr6-7586022-AG-CT.
Other names: c.6730_6731inv, p.Ser2244Leu (NM_001008844.3); c.7198_7199inv, p.Ser2400Leu (NM_001319034.2); c.8527_8528delAGinsCT (NM_004415.2); short protein forms S2244L, S2843L, S2400L.
Identifiers: ClinVar variation 5035650 (VCV005035650.1).

ClinVar aggregate classification (germline): Uncertain significance (1 of 4 stars; one submission).

Conditions:
Cardiovascular phenotype. Identifiers: MedGen CN230736.

Submission:

Ambry Genetics
Classification: Uncertain significance for Cardiovascular phenotype. Last evaluated: 2026-07-20. Review status: criteria provided, single submitter. Criteria: Ambry Variant Classification Scheme 2023. Collection method: clinical testing. Allele origin: germline.
Comment: The c.8527_8528delAGinsCT variant (also known as p.S2843L), located in coding exon 24 of the DSP gene, results from an in-frame deletion of AG and insertion of CT at nucleotide positions 8527 to 8528. This results in the substitution of the serine residue for a leucine residue at codon 2843, an amino acid with dissimilar properties. This amino acid position is well conserved in available vertebrate species. In addition, this variant is predicted to be neutral by in silico analysis (Choi Y et al. PLoS ONE. 2012; 7(10):e46688). Based on data from gnomAD, this allele has an overall frequency of 0.0032% (1/31378) total alleles studied. The highest observed frequency was 0.0115% (1/8704) of African/African American alleles. Based on the available evidence, the clinical significance of this variant remains unclear.